The following is an entry in ClinVar:

NM_024408.4(NOTCH2):c.3406C>G (p.Gln1136Glu)

Gene: NOTCH2 (notch receptor 2; minus strand). Cytogenetic location: 1p12.
Variant type: single nucleotide variant.
Coding change: c.3406C>G on transcript NM_024408.4 (MANE Select); coding-DNA position 3406, C replaced by G.
Protein change: p.Gln1136Glu; replaces glutamine 1136 with glutamic acid.
Molecular consequence: missense variant.
Genome position (GRCh38, 1-based): chr1:119,937,398, G>C on the plus strand (C>G on the coding strand, the complement: NOTCH2 is on the minus strand). VCF-style: chr1-119937398-G-C. GRCh37 (hg19) VCF-style: chr1-120480021-G-C.
Other names: c.3406C>G, p.Gln1136Glu (NM_001200001.2); short protein forms Q1136E.
Identifiers: ClinVar variation 970952 (VCV000970952.12), dbSNP rs1553195867, ClinGen allele CA341852061.

ClinVar aggregate classification (germline): Conflicting classifications of pathogenicity. Review status: criteria provided, conflicting classifications (1 of 4 stars). 5 submissions from 5 submitters: Uncertain significance (2); Likely benign (2). 1 of the submissions does not count toward it. Last evaluated 2026-01-18.

Conditions:
NOTCH2-related disorder. Also called: NOTCH2-related condition.
Inborn genetic diseases. Identifiers: MedGen C0950123, MeSH D030342.
Alagille syndrome due to a NOTCH2 point mutation. Also called: Alagille syndrome 2. Identifiers: Orphanet 261629, Orphanet 52, MedGen C1857761, MONDO:0012439, OMIM 610205.
Hajdu-Cheney syndrome (HJCYS). Also called: SERPENTINE FIBULA-POLYCYSTIC KIDNEY SYNDROME; ACROOSTEOLYSIS WITH OSTEOPOROSIS AND CHANGES IN SKULL AND MANDIBLE; Acroosteolysis dominant type. Identifiers: Orphanet 955, MedGen C0917715, MONDO:0007057, OMIM 102500.

Allele frequency attached by ClinVar (database versions not stated): gnomAD 0.00001; gnomAD exomes 0.00002.
gnomAD v4.1: 13 of 1,614,034 alleles (0.00081%); highest among the groups gnomAD compares: Admixed American, 0.022%; 1 homozygote.

Submissions (5):

Labcorp Genetics (formerly Invitae), Labcorp
Classification: Uncertain significance for Hajdu-Cheney syndrome. Last evaluated: 2026-01-18. Review status: criteria provided, single submitter. Criteria: Invitae Variant Classification Sherloc (09022015). Collection method: clinical testing. Allele origin: germline.
Comment: This sequence change replaces glutamine, which is neutral and polar, with glutamic acid, which is acidic and polar, at codon 1136 of the NOTCH2 protein (p.Gln1136Glu). This variant is present in population databases (no rsID available, gnomAD 0.02%). This variant has not been reported in the literature in individuals affected with NOTCH2-related conditions. ClinVar contains an entry for this variant (Variation ID: 970952). Invitae Evidence Modeling of protein sequence and biophysical properties (such as structural, functional, and spatial information, amino acid conservation, physicochemical variation, residue mobility, and thermodynamic stability) indicates that this missense variant is not expected to disrupt NOTCH2 protein function with a negative predictive value of 80%. In summary, the available evidence is currently insufficient to determine the role of this variant in disease. Therefore, it has been classified as a Variant of Uncertain Significance.

Revvity Omics, Revvity
Classification: Uncertain significance. Last evaluated: 2024-09-27. Review status: criteria provided, single submitter. Criteria: ACMG Guidelines, 2015. Collection method: clinical testing. Allele origin: germline.

Ambry Genetics
Classification: Likely benign for Inborn genetic diseases. Last evaluated: 2024-07-02. Review status: criteria provided, single submitter. Criteria: Ambry Variant Classification Scheme 2023. Collection method: clinical testing. Allele origin: germline.

Johns Hopkins Genomics, Johns Hopkins University
Classification: Likely benign for Alagille syndrome due to a NOTCH2 point mutation. Last evaluated: 2022-04-29. Review status: criteria provided, single submitter. Criteria: ACMG Guidelines, 2015. Collection method: clinical testing. Allele origin: germline.

PreventionGenetics, part of Exact Sciences
Classification: Uncertain significance for NOTCH2-related condition. Last evaluated: 2024-07-24. Review status: no assertion criteria provided. Collection method: clinical testing. Allele origin: germline. Not counted in ClinVar's aggregate classification.
Comment: The NOTCH2 c.3406C>G variant is predicted to result in the amino acid substitution p.Gln1136Glu. To our knowledge, this variant has not been reported in the literature. This variant is reported in 0.017% of alleles in individuals of Latino descent in gnomAD. At this time, the clinical significance of this variant is uncertain due to the absence of conclusive functional and genetic evidence.